The following is an entry in ClinVar:

NM_000064.4(C3):c.3155-3C>A

Gene: C3 (complement C3; minus strand). Cytogenetic location: 19p13.3.
Variant type: single nucleotide variant.
Coding change: c.3155-3C>A on transcript NM_000064.4 (MANE Select); 3 bases into the intron before coding-DNA position 3155, C replaced by A.
Molecular consequence: intron variant.
Genome position (GRCh38, 1-based): chr19:6,693,490, G>T on the plus strand (C>A on the coding strand, the complement: C3 is on the minus strand). VCF-style: chr19-6693490-G-T. GRCh37 (hg19) VCF-style: chr19-6693501-G-T.
Identifiers: ClinVar variation 1974762 (VCV001974762.5), dbSNP rs1399811328, ClinGen allele CA2580097020.

ClinVar aggregate classification (germline): Uncertain significance (1 of 4 stars; one submission).

gnomAD v4.1: 2 of 1,611,142 alleles (0.00012%); highest among the groups gnomAD compares: South Asian, 0.0011%; no homozygotes.

Submission:

Labcorp Genetics (formerly Invitae), Labcorp
Classification: Uncertain significance. Last evaluated: 2022-06-13. Review status: criteria provided, single submitter. Criteria: Invitae Variant Classification Sherloc (09022015). Collection method: clinical testing. Allele origin: germline.
Comment: This sequence change falls in intron 24 of the C3 gene. It does not directly change the encoded amino acid sequence of the C3 protein. It affects a nucleotide within the consensus splice site. This variant is not present in population databases (gnomAD no frequency). In summary, the available evidence is currently insufficient to determine the role of this variant in disease. Therefore, it has been classified as a Variant of Uncertain Significance. Variants that disrupt the consensus splice site are a relatively common cause of aberrant splicing (PMID: 17576681, 9536098). Algorithms developed to predict the effect of sequence changes on RNA splicing suggest that this variant is not likely to affect RNA splicing. This variant has not been reported in the literature in individuals affected with C3-related conditions.

Literature cited by the submitters: PubMed 17576681; PubMed 9536098.